The following is an entry in ClinVar:

ClinVar aggregate classification (germline): Uncertain significance. Review status: criteria provided, multiple submitters, no conflicts (2 of 4 stars). 2 submissions from 2 submitters: Uncertain significance (2). Last evaluated 2022-05-12.

Allele frequency attached by ClinVar (database versions not stated): TOPMed 0.00001.
gnomAD v4.1: 9 of 1,613,034 alleles (0.00056%); highest among the groups gnomAD compares: Non-Finnish European, 0.00059%; no homozygotes.

Submissions (2):

Labcorp Genetics (formerly Invitae), Labcorp
Classification: Uncertain significance. Last evaluated: 2022-05-12. Review status: criteria provided, single submitter. Criteria: Invitae Variant Classification Sherloc (09022015). Collection method: clinical testing. Allele origin: germline.
Comment: This sequence change falls in intron 15 of the KIAA1549 gene. It does not directly change the encoded amino acid sequence of the KIAA1549 protein. It affects a nucleotide within the consensus splice site. This variant is not present in population databases (gnomAD no frequency). This variant has not been reported in the literature in individuals affected with KIAA1549-related conditions. Variants that disrupt the consensus splice site are a relatively common cause of aberrant splicing (PMID: 17576681, 9536098). Algorithms developed to predict the effect of sequence changes on RNA splicing suggest that this variant may disrupt the consensus splice site. In summary, the available evidence is currently insufficient to determine the role of this variant in disease. Therefore, it has been classified as a Variant of Uncertain Significance.

Blueprint Genetics
Classification: Uncertain significance. Last evaluated: 2021-07-02. Review status: criteria provided, single submitter. Criteria: ACMG Guidelines, 2015. Collection method: clinical testing. Allele origin: germline.

Literature cited by the submitters: PubMed 17576681 (cited by Labcorp Genetics (formerly Invitae), Labcorp); PubMed 9536098 (cited by Labcorp Genetics (formerly Invitae), Labcorp).

NM_001164665.2(KIAA1549):c.4929+4C>T

Gene: KIAA1549 (KIAA1549; minus strand). Cytogenetic location: 7q34.
Variant type: single nucleotide variant.
Coding change: c.4929+4C>T on transcript NM_001164665.2 (MANE Select); 4 bases into the intron after coding-DNA position 4929, C replaced by T.
Molecular consequence: intron variant.
Genome position (GRCh38, 1-based): chr7:138,867,971, G>A on the plus strand (C>T on the coding strand, the complement: KIAA1549 is on the minus strand). VCF-style: chr7-138867971-G-A. GRCh37 (hg19) VCF-style: chr7-138552717-G-A.
Other names: c.4929+4C>T (NM_020910.3).
Identifiers: ClinVar variation 2155110 (VCV002155110.2), dbSNP rs1810799192, ClinGen allele CA1107810922.
Genomic context (GRCh38, chr7:138,867,971, plus strand): 5'-TTCAGCGCATCTTTCTAGGAGCCGCCCCACCCGAGTTCCAGAAACTGGAGTCGGTGGCAC[G>A]CACTGGGCATCCGATGTAGGCTGAGTTGTGGACGCCGGGGGGCCTCCTGTAGGTGCCATC-3'